The following is an entry in ClinVar:

NM_013372.7(GREM1):c.440A>C (p.Lys147Thr)

Gene: GREM1 (gremlin 1, DAN family BMP antagonist; plus strand). Cytogenetic location: 15q13.3.
Variant type: single nucleotide variant.
Coding change: c.440A>C on transcript NM_013372.7 (MANE Select); coding-DNA position 440, A replaced by C.
Protein change: p.Lys147Thr; replaces lysine 147 with threonine.
Molecular consequence: missense variant.
Genome position (GRCh38, 1-based): chr15:32,731,130, A>C. VCF-style: chr15-32731130-A-C. GRCh37 (hg19) VCF-style: chr15-33023331-A-C.
Other names: c.230A>C, p.Lys77Thr (NM_001191322.2); c.317A>C, p.Lys106Thr (NM_001191323.2); c.440A>C, p.Lys147Thr (NM_001368719.1); short protein forms K147T, K106T, K77T.
Identifiers: ClinVar variation 4266787 (VCV004266787.1).

ClinVar aggregate classification (germline): Uncertain significance (1 of 4 stars; one submission).

Conditions:
Hereditary cancer-predisposing syndrome. Also called: Hereditary Cancer Syndrome; Hereditary neoplastic syndrome; Neoplastic Syndromes, Hereditary; Tumor predisposition. Identifiers: Orphanet 140162, MedGen C0027672, MeSH D009386, MONDO:0015356.

Submission:

Ambry Genetics
Classification: Uncertain significance for Hereditary cancer-predisposing syndrome. Last evaluated: 2025-07-03. Review status: criteria provided, single submitter. Criteria: Ambry Variant Classification Scheme 2023. Collection method: clinical testing. Allele origin: germline.
Comment: The p.K147T variant (also known as c.440A>C), located in coding exon 1 of the GREM1 gene, results from an A to C substitution at nucleotide position 440. The lysine at codon 147 is replaced by threonine, an amino acid with similar properties. This amino acid position is conserved. In addition, this alteration is predicted to be tolerated by in silico analysis. Based on the available evidence, the clinical significance of this variant remains unclear.